The following is an entry in ClinVar:

ClinVar aggregate classification (germline): Pathogenic (1 of 4 stars; one submission).

Conditions:
Neuronal ceroid lipofuscinosis 7 (CLN7). Also called: MFSD8-Related Neuronal Ceroid-Lipofuscinosis. Identifiers: Orphanet 168491, Orphanet 228366, MedGen C1838571, MONDO:0012588, OMIM 610951.

Submission:

Labcorp Genetics (formerly Invitae), Labcorp
Classification: Pathogenic for Neuronal ceroid lipofuscinosis 7. Last evaluated: 2019-01-29. Review status: criteria provided, single submitter. Criteria: Invitae Variant Classification Sherloc (09022015). Collection method: clinical testing. Allele origin: germline.
Comment: For these reasons, this variant has been classified as Pathogenic. Loss-of-function variants in MFSD8 are known to be pathogenic (PMID: 19177532, 25227500, 28586915). This variant has not been reported in the literature in individuals with MFSD8-related conditions. This variant is not present in population databases (ExAC no frequency). This sequence change creates a premature translational stop signal (p.Glu9Aspfs*19) in the MFSD8 gene. It is expected to result in an absent or disrupted protein product.

Literature cited by the submitters: PubMed 19177532; PubMed 25227500; PubMed 28586915.

NM_001371596.2(MFSD8):c.27_33delinsCC (p.Glu9fs)

Gene: MFSD8 (major facilitator superfamily domain containing 8; minus strand). Cytogenetic location: 4q28.2.
Variant type: Indel.
Coding change: c.27_33delinsCC on transcript NM_001371596.2 (MANE Select); coding-DNA positions 27 to 33, ACAGGAG replaced by CC.
Protein change: p.Glu9fs; shifts the reading frame from glutamic acid 9.
Molecular consequence: frameshift variant. On other transcripts: 5 prime UTR variant (1), intron variant (2).
Genome position (GRCh38, 1-based): chr4:127,965,101-127,965,107, CTCCTGT replaced by GG on the plus strand (ACAGGAG replaced by CC on the coding strand, the reverse complement: MFSD8 is on the minus strand). VCF-style: chr4-127965101-CTCCTGT-GG. GRCh37 (hg19) VCF-style: chr4-128886256-CTCCTGT-GG.
Other names: c.27_33delinsCC, p.Glu9fs (NM_001363520.3, NM_001363521.3, NM_001371591.2 and 5 more transcripts); c.-107_-101delinsCC (NM_001371595.1); c.-74+790_-74+796delinsCC (NM_001410765.1, NM_001371590.2); short protein forms E9fs.
Identifiers: ClinVar variation 964651 (VCV000964651.8), dbSNP rs1744829646, ClinGen allele CA1139658645.